The following is an entry in ClinVar:

ClinVar aggregate classification (germline): Uncertain significance (1 of 4 stars; one submission).

Conditions:
Long QT syndrome (LQTS). Identifiers: MedGen C0023976, MeSH D008133, MONDO:0002442. Disease mechanism: loss of function. Inheritance: Various modes of inheritance.

Submission:

Labcorp Genetics (formerly Invitae), Labcorp
Classification: Uncertain significance for Long QT syndrome. Last evaluated: 2026-02-02. Review status: criteria provided, single submitter. Criteria: Invitae Variant Classification Sherloc (09022015). Collection method: clinical testing. Allele origin: germline.
Comment: This sequence change replaces glycine, which is neutral and non-polar, with arginine, which is basic and polar, at codon 1671 of the CACNA1C protein (p.Gly1671Arg). This variant is not present in population databases (gnomAD no frequency). This variant has not been reported in the literature in individuals affected with CACNA1C-related conditions. Invitae Evidence Modeling of protein sequence and biophysical properties (such as structural, functional, and spatial information, amino acid conservation, physicochemical variation, residue mobility, and thermodynamic stability) indicates that this missense variant is expected to disrupt CACNA1C protein function with a positive predictive value of 80%. In summary, the available evidence is currently insufficient to determine the role of this variant in disease. Therefore, it has been classified as a Variant of Uncertain Significance.

NM_000719.7(CACNA1C):c.5011G>A (p.Gly1671Arg)

Genes: CACNA1C (calcium voltage-gated channel subunit alpha1 C; plus strand), CACNA1C-AS1 (CACNA1C antisense RNA 1; minus strand). Cytogenetic location: 12p13.33.
Variant type: single nucleotide variant.
Coding change: c.5011G>A on transcript NM_000719.7 (MANE Select); coding-DNA position 5011, G replaced by A.
Protein change: p.Gly1671Arg; replaces glycine 1671 with arginine.
Molecular consequence: missense variant. On other transcripts: non-coding transcript variant (1).
Genome position (GRCh38, 1-based): chr12:2,677,787, G>A. VCF-style: chr12-2677787-G-A. GRCh37 (hg19) VCF-style: chr12-2786953-G-A.
Other names: c.5155G>A, p.Gly1719Arg (NM_001129827.2, NM_199460.4); c.5134G>A, p.Gly1712Arg (NM_001129829.2); c.5011G>A, p.Gly1671Arg (NM_001129830.3, NM_001129840.2, NM_001129841.2 and 4 more transcripts); c.5095G>A, p.Gly1699Arg (NM_001129831.2); c.5071G>A, p.Gly1691Arg (NM_001129832.2); c.5068G>A, p.Gly1690Arg (NM_001129833.2, NM_001129834.2, NM_001129835.2); c.5062G>A, p.Gly1688Arg (NM_001129836.2); c.5035G>A, p.Gly1679Arg (NM_001129837.2, NM_001129838.2); and 3 more; short protein forms G1677R, G1668R, G1671R, G1679R, G1690R, G1691R, G1660R, G1688R.
Identifiers: ClinVar variation 4745792 (VCV004745792.1).